The following is an entry in ClinVar:

NC_000001.10:g.(?_11272349)_(11273643_?)del

Gene: MTOR (mechanistic target of rapamycin kinase; minus strand). Cytogenetic location: 1p36.22.
Variant type: Deletion.
Identifiers: ClinVar variation 1411302 (VCV001411302.4).

ClinVar aggregate classification (germline): Uncertain significance (1 of 4 stars; one submission).

Submission:

Labcorp Genetics (formerly Invitae), Labcorp
Classification: Uncertain significance. Last evaluated: 2021-08-09. Review status: criteria provided, single submitter. Criteria: Invitae Variant Classification Sherloc (09022015). Collection method: clinical testing. Allele origin: germline.
Comment: This variant is a gross deletion of the genomic region encompassing exon(s) 21-23 of the MTOR gene. This variant would be expected to be in-frame, preserving the integrity of the reading frame. In summary, the available evidence is currently insufficient to determine the role of this variant in disease. Therefore, it has been classified as a Variant of Uncertain Significance. Experimental studies and prediction algorithms are not available or were not evaluated, and the functional significance of this variant is currently unknown. This variant has not been reported in the literature in individuals affected with MTOR-related conditions.